The following is an entry in ClinVar:

ClinVar aggregate classification (germline): Uncertain significance (1 of 4 stars; one submission).

Conditions:
Catecholaminergic polymorphic ventricular tachycardia 1. Also called: VENTRICULAR TACHYCARDIA, STRESS-INDUCED POLYMORPHIC 1; VENTRICULAR TACHYCARDIA, CATECHOLAMINERGIC POLYMORPHIC, 1, WITH OR WITHOUT ATRIAL DYSFUNCTION AND/OR DILATED CARDIOMYOPATHY; RYR2-Related Catecholaminergic Polymorphic Ventricular Tachycardia. Identifiers: Orphanet 3286, MedGen C1631597, MONDO:0011484, OMIM 604772.

Submission:

Labcorp Genetics (formerly Invitae), Labcorp
Classification: Uncertain significance for Catecholaminergic polymorphic ventricular tachycardia 1. Last evaluated: 2022-12-26. Review status: criteria provided, single submitter. Criteria: Invitae Variant Classification Sherloc (09022015). Collection method: clinical testing. Allele origin: germline.
Comment: This sequence change replaces alanine, which is neutral and non-polar, with glutamic acid, which is acidic and polar, at codon 1542 of the RYR2 protein (p.Ala1542Glu). This variant is not present in population databases (gnomAD no frequency). This variant has not been reported in the literature in individuals affected with RYR2-related conditions. Algorithms developed to predict the effect of missense changes on protein structure and function (SIFT, PolyPhen-2, Align-GVGD) all suggest that this variant is likely to be disruptive. In summary, the available evidence is currently insufficient to determine the role of this variant in disease. Therefore, it has been classified as a Variant of Uncertain Significance.

NM_001035.3(RYR2):c.4625C>A (p.Ala1542Glu)

Gene: RYR2 (ryanodine receptor 2; plus strand). Cytogenetic location: 1q43.
Variant type: single nucleotide variant.
Coding change: c.4625C>A on transcript NM_001035.3 (MANE Select); coding-DNA position 4625, C replaced by A.
Protein change: p.Ala1542Glu; replaces alanine 1542 with glutamic acid.
Molecular consequence: missense variant.
Genome position (GRCh38, 1-based): chr1:237,602,053, C>A. VCF-style: chr1-237602053-C-A. GRCh37 (hg19) VCF-style: chr1-237765353-C-A.
Other names: short protein forms A1542E.
Identifiers: ClinVar variation 2824281 (VCV002824281.3), dbSNP rs1231744468, ClinGen allele CA345401580.